The following is an entry in ClinVar:

ClinVar aggregate classification (germline): Uncertain significance (1 of 4 stars; one submission).

Submission:

GeneDx
Classification: Uncertain significance. Last evaluated: 2015-01-17. Review status: criteria provided, single submitter. Criteria: GeneDx Variant Classification (06012015). Collection method: clinical testing. Allele origin: germline. Affected: yes.
Comment: c.1962_1982delCCCCGGCTCCCACATCGGCGG: p.Pro655_Gly661del (P655_G661del) in exon 12 of the SCN8A gene (NM_014191.3). The normal sequence with the bases that are deleted in braces is: GCGG{CCCCGGCTCCCACATCGGCGG}GCGT. The c.1962_1982delCCCCGGCTCCCACATCGGCGG variant has not been published as a mutation, nor has it been reported as a benign polymorphism to our knowledge. It was not observed in approximately 5,900 individuals of European and African American ancestry in the NHLBI Exome Sequencing Project, indicating it is not a common benign variant in these populations. The c.1962_1982delCCCCGGCTCCCACATCGGCGG variant results in an in-frame deletion of seven amino acid residues, denoted p.P655_G661del. However, the c.1962_1982delCCCCGGCTCCCACATCGGCGG is not predicted to cause loss of normal protein function through protein truncation or nonsense-mediated mRNA decay. Therefore, based on the currently available information, it is unclear whether this variant is a pathogenic mutation or a rare benign variant.The variant is found in INFANTV2-EPIV2-1 panel(s).

NM_001330260.2(SCN8A):c.1962_1982del (p.Pro655_Gly661del)

Gene: SCN8A (sodium voltage-gated channel alpha subunit 8; plus strand). Cytogenetic location: 12q13.13.
Variant type: Deletion.
Coding change: c.1962_1982del on transcript NM_001330260.2 (MANE Select); coding-DNA positions 1962 to 1982, 21 bases deleted (CCCCGGCTCCCACATCGGCGG).
Protein change: p.Pro655_Gly661del.
Molecular consequence: inframe deletion.
Genome position (GRCh38, 1-based): chr12:51,721,872-51,721,892, CCCCGGCTCCCACATCGGCGG deleted; deleting any 21 consecutive bases within chr12:51,721,863-51,721,892 gives the same sequence; the c. name uses the placement nearest the transcript's 3' end. VCF-style (leftmost placement, unchanged base first): chr12-51721862-TCATCGGCGGCCCCGGCTCCCA-T. GRCh37 (hg19) VCF-style: chr12-52115646-TCATCGGCGGCCCCGGCTCCCA-T.
Other names: c.1962_1982del, p.Pro655_Gly661del (NM_001177984.3, NM_001369788.1, NM_014191.4).
Identifiers: ClinVar variation 207146 (VCV000207146.1), dbSNP rs768554772, ClinGen allele CA318329.